The following is an entry in ClinVar:

NM_001291415.2(KDM6A):c.161+4del

Genes: KDM6A (lysine demethylase 6A; plus strand), LOC130068183 (ATAC-STARR-seq lymphoblastoid silent region 20785; plus strand). Cytogenetic location: Xp11.3.
Variant type: Deletion.
Coding change: c.161+4del on transcript NM_001291415.2 (MANE Select); 4 bases into the intron after coding-DNA position 161, one base deleted (C; older notation c.161+4delC).
Molecular consequence: intron variant.
Genome position (GRCh38, 1-based): chrX:44,873,716, C deleted. VCF-style (leftmost placement, unchanged base first): chrX-44873715-AC-A. GRCh37 (hg19) VCF-style: chrX-44732961-AC-A.
Other names: c.161+4del (NM_001419809.1, NM_001419810.1, NM_001419813.1 and 9 more transcripts); c.-472+4del (NM_001291421.2).
Identifiers: ClinVar variation 3712378 (VCV003712378.2).

ClinVar aggregate classification (germline): Uncertain significance (1 of 4 stars; one submission).

Conditions:
Kabuki syndrome 2 (KABUK2). Also called: KDM6A-Related Kabuki Syndrome. Identifiers: Orphanet 2322, MedGen C3275495, MONDO:0010465, OMIM 300867.

Submission:

Labcorp Genetics (formerly Invitae), Labcorp
Classification: Uncertain significance for Kabuki syndrome 2. Last evaluated: 2024-08-21. Review status: criteria provided, single submitter. Criteria: Invitae Variant Classification Sherloc (09022015). Collection method: clinical testing. Allele origin: germline.
Comment: This sequence change falls in intron 1 of the KDM6A gene. It does not directly change the encoded amino acid sequence of the KDM6A protein. It affects a nucleotide within the consensus splice site. This variant is present in population databases (no rsID available, gnomAD 0.004%), including at least one homozygous and/or hemizygous individual. This variant has not been reported in the literature in individuals affected with KDM6A-related conditions. Variants that disrupt the consensus splice site are a relatively common cause of aberrant splicing (PMID: 17576681, 9536098). Algorithms developed to predict the effect of sequence changes on RNA splicing suggest that this variant is not likely to affect RNA splicing. In summary, the available evidence is currently insufficient to determine the role of this variant in disease. Therefore, it has been classified as a Variant of Uncertain Significance.

Literature cited by the submitters: PubMed 17576681; PubMed 9536098.